The following is an entry in ClinVar:

ClinVar aggregate classification (germline): Uncertain significance (1 of 4 stars; one submission).

Submission:

Women's Health and Genetics/Laboratory Corporation of America, LabCorp
Classification: Uncertain significance. Last evaluated: 2025-02-07. Review status: criteria provided, single submitter. Criteria: LabCorp Variant Classification Summary - May 2015. Collection method: clinical testing. Allele origin: germline.
Comment: Variant summary: The variant involves the deletion of exons 1-8 in the GTF2E2 gene. This deletion includes the entire coding sequence of the gene. As the exact proximal and distal breakpoints are unknown, it may extend beyond the annotated region of the gene to include other flanking genes. A presumed nomenclature of c.(?_-269)_(*604_?)del has been designated for the purposes of this classification. Current evidence is not sufficient to establish loss of function as a mechanism for disease. The variant was absent in 21694 control chromosomes. The available data on variant occurrences in the general population are insufficient to allow any conclusion about variant significance. To our knowledge, no occurrence of c.(?_-269)_(*604_?)del in individuals affected with Trichothiodystrophy 6, Nonphotosensitive and no experimental evidence demonstrating its impact on protein function have been reported. No submitters have cited clinical-significance assessments for this variant to ClinVar. Based on the evidence outlined above, the variant was classified as uncertain significance.

NC_000008.10:g.(?_30435834)_(30515754_?)del

Genes: GTF2E2 (general transcription factor IIE subunit 2; minus strand), SMIM18 (small integral membrane protein 18; plus strand). Cytogenetic location: 8p12.
Variant type: Deletion.
Identifiers: ClinVar variation 3768693 (VCV003768693.1).